The following is an entry in ClinVar:

ClinVar aggregate classification (germline): Uncertain significance (1 of 4 stars; one submission).

Allele frequency attached by ClinVar (database versions not stated): gnomAD exomes 0.00001; ExAC 0.00002.

Submission:

Labcorp Genetics (formerly Invitae), Labcorp
Classification: Uncertain significance. Last evaluated: 2022-05-18. Review status: criteria provided, single submitter. Criteria: Invitae Variant Classification Sherloc (09022015). Collection method: clinical testing. Allele origin: germline.
Comment: This sequence change replaces proline, which is neutral and non-polar, with leucine, which is neutral and non-polar, at codon 1178 of the RBP3 protein (p.Pro1178Leu). This variant is present in population databases (rs782637904, gnomAD 0.003%). This variant has not been reported in the literature in individuals affected with RBP3-related conditions. Algorithms developed to predict the effect of missense changes on protein structure and function output the following: SIFT: "Deleterious"; PolyPhen-2: "Possibly Damaging"; Align-GVGD: "Class C65". The leucine amino acid residue is found in multiple mammalian species, which suggests that this missense change does not adversely affect protein function. In summary, the available evidence is currently insufficient to determine the role of this variant in disease. Therefore, it has been classified as a Variant of Uncertain Significance.

NM_002900.3(RBP3):c.3533C>T (p.Pro1178Leu)

Gene: RBP3 (retinol binding protein 3; plus strand). Cytogenetic location: 10q11.22.
Variant type: single nucleotide variant.
Coding change: c.3533C>T on transcript NM_002900.3 (MANE Select); coding-DNA position 3533, C replaced by T.
Protein change: p.Pro1178Leu; replaces proline 1178 with leucine.
Molecular consequence: missense variant.
Genome position (GRCh38, 1-based): chr10:47,357,246, C>T. VCF-style: chr10-47357246-C-T. GRCh37 (hg19) VCF-style: chr10-48382116-G-A.
Other names: short protein forms P1178L.
Identifiers: ClinVar variation 1953156 (VCV001953156.5), dbSNP rs782637904, ClinGen allele CA5487020.